The following is an entry in ClinVar:

NM_001199862.2(KCNAB2):c.425+6G>A

Gene: KCNAB2 (potassium voltage-gated channel subfamily A regulatory beta subunit 2; plus strand). Cytogenetic location: 1p36.31.
Variant type: single nucleotide variant.
Coding change: c.425+6G>A on transcript NM_001199862.2 (MANE Select); 6 bases into the intron after coding-DNA position 425, G replaced by A.
Molecular consequence: intron variant.
Genome position (GRCh38, 1-based): chr1:6,085,254, G>A. VCF-style: chr1-6085254-G-A. GRCh37 (hg19) VCF-style: chr1-6145314-G-A.
Other names: c.326+6G>A (NM_001199861.2, NM_003636.4, NM_001199860.2 and 1 more transcripts); c.284+6G>A (NM_172130.3); c.125+6G>A (NM_001199863.2).
Identifiers: ClinVar variation 2638113 (VCV002638113.25), dbSNP rs201665803, ClinGen allele CA555189.

ClinVar aggregate classification (germline): Likely benign. Review status: criteria provided, single submitter (1 of 4 stars). 2 submissions from 2 submitters: Likely benign (1). 1 of the submissions does not count toward it. Last evaluated 2023-05-01.

Conditions:
KCNAB2-related disorder. Also called: KCNAB2-related condition.

Allele frequency attached by ClinVar (database versions not stated): ESP Exome Variant Server 0.00015; gnomAD 0.00015; ExAC 0.00021.
gnomAD v4.1: 333 of 1,613,692 alleles (0.021%); highest among the groups gnomAD compares: Middle Eastern, 0.88%; 4 homozygotes.

Submissions (2):

CeGaT Center for Human Genetics Tuebingen
Classification: Likely benign. Last evaluated: 2023-05-01. Review status: criteria provided, single submitter. Criteria: CeGaT Center For Human Genetics Tuebingen Variant Classification Criteria Version 2. Collection method: clinical testing. Allele origin: germline. Affected: yes. Observed: 1 variant allele.
Comment: KCNAB2: BP4

PreventionGenetics, part of Exact Sciences
Classification: Likely benign for KCNAB2-related condition. Last evaluated: 2019-07-11. Review status: no assertion criteria provided. Collection method: clinical testing. Allele origin: germline. Not counted in ClinVar's aggregate classification.
Comment: This variant is classified as likely benign based on ACMG/AMP sequence variant interpretation guidelines (Richards et al. 2015 PMID: 25741868, with internal and published modifications).